The following is an entry in ClinVar:

NM_001040108.2(MLH3):c.3785dup (p.Leu1263fs)

Gene: MLH3 (mutL homolog 3; minus strand). Cytogenetic location: 14q24.3.
Variant type: Duplication.
Coding change: c.3785dup on transcript NM_001040108.2 (MANE Select); coding-DNA position 3785, one base duplicated (C; older notation c.3785dupC).
Protein change: p.Leu1263fs; shifts the reading frame from leucine 1263.
Molecular consequence: frameshift variant.
Genome position (GRCh38, 1-based): chr14:75,032,110, G duplicated on the plus strand (C on the coding strand, the reverse complement: MLH3 is on the minus strand); the first of 2 consecutive G bases (chr14:75,032,110-75,032,111); duplicating either gives the same sequence. VCF-style (leftmost placement, unchanged base first): chr14-75032109-C-CG. GRCh37 (hg19) VCF-style: chr14-75498812-C-CG.
Other names: c.3713dup, p.Leu1239fs (NM_014381.3); c.3785dupC (NM_001040108.1); short protein forms L1239fs, L1263fs.
Identifiers: ClinVar variation 1734880 (VCV001734880.3), dbSNP rs755570771, ClinGen allele CA7275327.

ClinVar aggregate classification (germline): Pathogenic (1 of 4 stars; one submission).

Submission:

Ambry Genetics
Classification: Pathogenic. Last evaluated: 2026-05-29. Review status: criteria provided, single submitter. Criteria: Ambry Variant Classification Scheme 2023. Collection method: clinical testing. Allele origin: germline.
Comment: The c.3785dupC variant, located in coding exon 7 of the MLH3 gene, results from a duplication of C at nucleotide position 3785, causing a translational frameshift with a predicted alternate stop codon (p.L1263Afs*26). This alteration is expected to result in loss of function by premature protein truncation or nonsense-mediated mRNA decay. As such, this alteration is interpreted as a disease-causing mutation.